The following is an entry in ClinVar:

NM_000414.4(HSD17B4):c.922G>A (p.Val308Ile)

Gene: HSD17B4 (hydroxysteroid 17-beta dehydrogenase 4; plus strand). Cytogenetic location: 5q23.1.
Variant type: single nucleotide variant.
Coding change: c.922G>A on transcript NM_000414.4 (MANE Select); coding-DNA position 922, G replaced by A.
Protein change: p.Val308Ile; replaces valine 308 with isoleucine.
Molecular consequence: missense variant. On other transcripts: non-coding transcript variant (2).
Genome position (GRCh38, 1-based): chr5:119,496,596, G>A. VCF-style: chr5-119496596-G-A. GRCh37 (hg19) VCF-style: chr5-118832291-G-A.
Other names: c.997G>A, p.Val333Ile (NM_001199291.3); c.868G>A, p.Val290Ile (NM_001199292.2); c.850G>A, p.Val284Ile (NM_001292027.2); c.502G>A, p.Val168Ile (NM_001292028.2); c.913G>A, p.Val305Ile (NM_001374497.1); c.922G>A, p.Val308Ile (NM_001374498.1); c.595G>A, p.Val199Ile (NM_001374499.1); c.481G>A, p.Val161Ile (NM_001374500.1); and 2 more; short protein forms V161I, V308I, V333I, V168I, V171I, V199I, V290I, V305I.
Identifiers: ClinVar variation 2139976 (VCV002139976.2), dbSNP rs1350586752, ClinGen allele CA360867737.
Genomic context (GRCh38, chr5:119,496,596, plus strand): 5'-ATTTTAGAATCAACTGGCAGTATAATTGAAGTTCTGAGTAAAATAGATTCAGAAGGAGGA[G>A]TTTCAGCAAATCATACTAGTCGTGCAACGTCTACAGCAACATCAGGATTTGTAAGTGGGA-3'
Protein context (NP_000405.1, residues 298-318): VLSKIDSEGG[Val308Ile]SANHTSRATS

ClinVar aggregate classification (germline): Uncertain significance. Review status: criteria provided, multiple submitters, no conflicts (2 of 4 stars). 2 submissions from 2 submitters: Uncertain significance (2). Last evaluated 2026-06-29.

Conditions:
HSD17B4-related disorder. Also called: HSD17B4-related condition; HSD17B4-related disorders.
Perrault syndrome. Also called: Gonadal dysgenesis with auditory dysfunction, autosomal recessive inheritance. Identifiers: Orphanet 2855, MedGen C0685838, MONDO:0017312.
Bifunctional peroxisomal enzyme deficiency (DBIF). Also called: DBP DEFICIENCY; PBFE DEFICIENCY; D-bifunctional protein deficiency. Identifiers: Orphanet 300, MedGen C0342870, MONDO:0009855, OMIM 261515. Disease mechanism: loss of function.

Allele frequency attached by ClinVar (database versions not stated): gnomAD exomes below 0.00001.
gnomAD v4.1: 1 of 1,607,598 alleles (0.000062%); highest among the groups gnomAD compares: Admixed American, 0.0017%; no homozygotes.

Submissions (2):

PreventionGenetics, part of Exact Sciences
Classification: Uncertain significance for HSD17B4-related condition. Last evaluated: 2026-06-29. Review status: criteria provided, single submitter. Criteria: ACMG Guidelines, 2015. Collection method: clinical testing. Allele origin: germline.
Comment: The HSD17B4 c.922G>A variant is predicted to result in the amino acid substitution p.Val308Ile. To our knowledge, this variant has not been reported in the literature. This variant is reported in 0.0029% of alleles in individuals of Latino descent in gnomAD. At this time, the clinical significance of this variant is uncertain due to the absence of conclusive functional and genetic evidence.

Labcorp Genetics (formerly Invitae), Labcorp
Classification: Uncertain significance for Perrault syndrome; Bifunctional peroxisomal enzyme deficiency. Last evaluated: 2022-03-19. Review status: criteria provided, single submitter. Criteria: Invitae Variant Classification Sherloc (09022015). Collection method: clinical testing. Allele origin: germline.
Comment: This sequence change replaces valine, which is neutral and non-polar, with isoleucine, which is neutral and non-polar, at codon 308 of the HSD17B4 protein (p.Val308Ile). This variant is present in population databases (no rsID available, gnomAD 0.003%). This variant has not been reported in the literature in individuals affected with HSD17B4-related conditions. Advanced modeling of protein sequence and biophysical properties (such as structural, functional, and spatial information, amino acid conservation, physicochemical variation, residue mobility, and thermodynamic stability) performed at Invitae indicates that this missense variant is not expected to disrupt HSD17B4 protein function. In summary, the available evidence is currently insufficient to determine the role of this variant in disease. Therefore, it has been classified as a Variant of Uncertain Significance.